The following is an entry in ClinVar:

ClinVar aggregate classification (germline): Pathogenic (1 of 4 stars; one submission).

Conditions:
Cardiovascular phenotype. Identifiers: MedGen CN230736.
Hereditary cancer-predisposing syndrome. Also called: Neoplastic Syndromes, Hereditary; Tumor predisposition; Hereditary Cancer Syndrome; Hereditary neoplastic syndrome. Identifiers: Orphanet 140162, MedGen C0027672, MeSH D009386, MONDO:0015356.

Submission:

Ambry Genetics
Classification: Pathogenic for Cardiovascular phenotype; Hereditary cancer-predisposing syndrome. Last evaluated: 2025-11-12. Review status: criteria provided, single submitter. Criteria: Ambry Variant Classification Scheme 2023. Collection method: clinical testing. Allele origin: germline.
Comment: The c.6563dupT variant, located in coding exon 42 of the NF1 gene, results from a duplication of T at nucleotide position 6563, causing a translational frameshift with a predicted alternate stop codon (p.L2188Ffs*33). This variant is considered to be rare based on population cohorts in the Genome Aggregation Database (gnomAD). This alteration is expected to result in loss of function by premature protein truncation or nonsense-mediated mRNA decay. As such, this alteration is interpreted as a disease-causing mutation.

NM_001042492.3(NF1):c.6626dup (p.Leu2209fs)

Gene: NF1 (neurofibromin 1; plus strand). Cytogenetic location: 17q11.2.
Variant type: Duplication.
Coding change: c.6626dup on transcript NM_001042492.3 (MANE Select); coding-DNA position 6626, one base duplicated (T; older notation c.6626dupT).
Protein change: p.Leu2209fs; shifts the reading frame from leucine 2209.
Molecular consequence: frameshift variant.
Genome position (GRCh38, 1-based): chr17:31,337,566, T duplicated; the last of 3 consecutive T bases (chr17:31,337,564-31,337,566); duplicating any one gives the same sequence. VCF-style (leftmost placement, unchanged base first): chr17-31337563-C-CT. GRCh37 (hg19) VCF-style: chr17-29664581-C-CT.
Other names: c.6563dup, p.Leu2188fs (NM_000267.4); c.6563dupT (NM_000267.3); short protein forms L2188fs, L2209fs.
Identifiers: ClinVar variation 4615799 (VCV004615799.1).